The following is an entry in ClinVar:

NM_001164508.2(NEB):c.11890A>G (p.Asn3964Asp)

Gene: NEB (nebulin; minus strand). Cytogenetic location: 2q23.3.
Variant type: single nucleotide variant.
Coding change: c.11890A>G on transcript NM_001164508.2 (MANE Select); coding-DNA position 11890, A replaced by G.
Protein change: p.Asn3964Asp; replaces asparagine 3964 with aspartic acid.
Molecular consequence: missense variant.
Genome position (GRCh38, 1-based): chr2:151,610,782, T>C on the plus strand (A>G on the coding strand, the complement: NEB is on the minus strand). VCF-style: chr2-151610782-T-C. GRCh37 (hg19) VCF-style: chr2-152467296-T-C.
Other names: c.11890A>G, p.Asn3964Asp (NM_001164507.2, NM_001271208.2); c.11161A>G, p.Asn3721Asp (NM_004543.5); short protein forms N3964D, N3721D.
Identifiers: ClinVar variation 2003196 (VCV002003196.1), dbSNP rs2552228084, ClinGen allele CA348779538.
Genomic context (GRCh38, chr2:151,610,782, plus strand): 5'-ATTAATCTTAGGTTTAAGCAACAATCAGGAAATCTCTTACTTGGCTGATATTGGCAGAAT[T>C]ACTCTTGGCCAGCAGGATATCTGGGGTGTCTGGCATCACGTGGATGGAGGTTTTGTCAGC-3'
Protein context (NP_001157980.2, residues 3954-3974): DTPDILLAKS[Asn3964Asp]SANISQKLYT

ClinVar aggregate classification (germline): Uncertain significance (1 of 4 stars; one submission).

Conditions:
Nemaline myopathy 2 (NEM2). Also called: Nemaline myopathy 2, autosomal recessive. Identifiers: MedGen C1850569, MONDO:0009725, OMIM 256030.

Submission:

Labcorp Genetics (formerly Invitae), Labcorp
Classification: Uncertain significance for Nemaline myopathy 2. Last evaluated: 2022-06-08. Review status: criteria provided, single submitter. Criteria: Invitae Variant Classification Sherloc (09022015). Collection method: clinical testing. Allele origin: germline.
Comment: This sequence change replaces asparagine, which is neutral and polar, with aspartic acid, which is acidic and polar, at codon 3964 of the NEB protein (p.Asn3964Asp). This variant is not present in population databases (gnomAD no frequency). This variant has not been reported in the literature in individuals affected with NEB-related conditions. Algorithms developed to predict the effect of missense changes on protein structure and function are either unavailable or do not agree on the potential impact of this missense change (SIFT: "Deleterious"; PolyPhen-2: "Not Available"; Align-GVGD: "Class C0"). In summary, the available evidence is currently insufficient to determine the role of this variant in disease. Therefore, it has been classified as a Variant of Uncertain Significance.